The following is an entry in ClinVar:

NM_001122752.2(SERPINI1):c.614C>G (p.Thr205Ser)

Gene: SERPINI1 (serpin family I member 1; plus strand). Cytogenetic location: 3q26.1.
Variant type: single nucleotide variant.
Coding change: c.614C>G on transcript NM_001122752.2 (MANE Select); coding-DNA position 614, C replaced by G.
Protein change: p.Thr205Ser; replaces threonine 205 with serine.
Molecular consequence: missense variant.
Genome position (GRCh38, 1-based): chr3:167,792,722, C>G. VCF-style: chr3-167792722-C-G. GRCh37 (hg19) VCF-style: chr3-167510510-C-G.
Other names: c.614C>G, p.Thr205Ser (NM_005025.5); short protein forms T205S.
Identifiers: ClinVar variation 2497836 (VCV002497836.1), dbSNP rs2476231274, ClinGen allele CA355156722.
Genomic context (GRCh38, chr3:167,792,722, plus strand): 5'-ATTTCAAGGGGAACTGGAAGTCGCAGTTTAGGCCTGAAAATACTAGAACCTTTTCTTTCA[C>G]TAAAGATGATGAAAGTGAAGTCCAAATTCCAATGATGTATCAGCAAGGAGAATTTTATTA-3'
Protein context (NP_001116224.1, residues 195-215): RPENTRTFSF[Thr205Ser]KDDESEVQIP

ClinVar aggregate classification (germline): Uncertain significance (1 of 4 stars; one submission).

Submission:

GeneDx
Classification: Uncertain significance. Last evaluated: 2022-10-06. Review status: criteria provided, single submitter. Criteria: GeneDx Variant Classification Process June 2021. Collection method: clinical testing. Allele origin: germline. Affected: yes.
Comment: Not observed at significant frequency in large population cohorts (gnomAD); In silico analysis supports that this missense variant does not alter protein structure/function; Has not been previously published as pathogenic or benign to our knowledge